The following is an entry in ClinVar:

NM_020778.5(ALPK3):c.2800G>C (p.Gly934Arg)

Gene: ALPK3 (alpha kinase 3; plus strand). Cytogenetic location: 15q25.3.
Variant type: single nucleotide variant.
Coding change: c.2800G>C on transcript NM_020778.5 (MANE Select); coding-DNA position 2800, G replaced by C.
Protein change: p.Gly934Arg; replaces glycine 934 with arginine.
Molecular consequence: missense variant.
Genome position (GRCh38, 1-based): chr15:84,857,538, G>C. VCF-style: chr15-84857538-G-C. GRCh37 (hg19) VCF-style: chr15-85400769-G-C.
Other names: short protein forms G934R.
Identifiers: ClinVar variation 4742518 (VCV004742518.1).

ClinVar aggregate classification (germline): Uncertain significance (1 of 4 stars; one submission).

Submission:

Labcorp Genetics (formerly Invitae), Labcorp
Classification: Uncertain significance. Last evaluated: 2025-09-01. Review status: criteria provided, single submitter. Criteria: Invitae Variant Classification Sherloc (09022015). Collection method: clinical testing. Allele origin: germline.
Comment: This sequence change replaces glycine, which is neutral and non-polar, with arginine, which is basic and polar, at codon 1136 of the ALPK3 protein (p.Gly1136Arg). This variant is not present in population databases (gnomAD no frequency). This variant has not been reported in the literature in individuals affected with ALPK3-related conditions. Invitae Evidence Modeling of protein sequence and biophysical properties (such as structural, functional, and spatial information, amino acid conservation, physicochemical variation, residue mobility, and thermodynamic stability) has been performed for this missense variant. However, the output from this modeling did not meet the statistical confidence thresholds required to predict the impact of this variant on ALPK3 protein function. In summary, the available evidence is currently insufficient to determine the role of this variant in disease. Therefore, it has been classified as a Variant of Uncertain Significance.